The following is an entry in ClinVar:

ClinVar aggregate classification (germline): Conflicting classifications of pathogenicity. Review status: criteria provided, conflicting classifications (1 of 4 stars). 4 submissions from 4 submitters: Uncertain significance (2); Benign (1); Likely benign (1). Last evaluated 2025-12-22.

Conditions:
Congenital stationary night blindness autosomal dominant 3. Also called: NIGHT BLINDNESS, CONGENITAL STATIONARY, NOUGARET TYPE. Identifiers: Orphanet 215, MedGen C1864870, MONDO:0012497, OMIM 610444.

Allele frequency attached by ClinVar (database versions not stated): gnomAD 0.00011 and 0.00013; ESP Exome Variant Server 0.00015; 1000 Genomes Project 30x 0.00016; TOPMed 0.00016; 1000 Genomes Project 0.00020; ExAC 0.00023.

Submissions (4):

Labcorp Genetics (formerly Invitae), Labcorp
Classification: Likely benign. Last evaluated: 2025-12-22. Review status: criteria provided, single submitter. Criteria: Invitae Variant Classification Sherloc (09022015). Collection method: clinical testing. Allele origin: germline.

Blueprint Genetics
Classification: Uncertain significance. Last evaluated: 2024-08-27. Review status: criteria provided, single submitter. Criteria: ACMG Guidelines, 2015. Collection method: clinical testing. Allele origin: germline.

CeGaT Center for Human Genetics Tuebingen
Classification: Uncertain significance. Last evaluated: 2024-08-01. Review status: criteria provided, single submitter. Criteria: CeGaT Center For Human Genetics Tuebingen Variant Classification Criteria Version 2. Collection method: clinical testing. Allele origin: germline. Affected: yes. Observed: 1 variant allele.
Comment: GNAT1: PM2

Illumina Laboratory Services, Illumina
Classification: Benign for Congenital stationary night blindness autosomal dominant 3. Last evaluated: 2018-01-13. Review status: criteria provided, single submitter. Criteria: ICSL Variant Classification Criteria 13 December 2019. Collection method: clinical testing. Allele origin: germline.
Comment: This variant was observed in the ICSL laboratory as part of a predisposition screen in an ostensibly healthy population. It had not been previously curated by ICSL or reported in the Human Gene Mutation Database (HGMD: prior to June 1st, 2018), and was therefore a candidate for classification through an automated scoring system. Utilizing variant allele frequency, disease prevalence and penetrance estimates, and inheritance mode, an automated score was calculated to assess if this variant is too frequent to cause the disease. Based on the score and internal cut-off values, a variant classified as benign is not then subjected to further curation. The score for this variant resulted in a classification of benign for this disease.

NM_144499.3(GNAT1):c.83G>A (p.Arg28Gln)

Gene: GNAT1 (G protein subunit alpha transducin 1; plus strand). Cytogenetic location: 3p21.31.
Variant type: single nucleotide variant.
Coding change: c.83G>A on transcript NM_144499.3 (MANE Select); coding-DNA position 83, G replaced by A.
Protein change: p.Arg28Gln; replaces arginine 28 with glutamine.
Molecular consequence: missense variant.
Genome position (GRCh38, 1-based): chr3:50,191,808, G>A. VCF-style: chr3-50191808-G-A. GRCh37 (hg19) VCF-style: chr3-50229241-G-A.
Other names: c.83G>A, p.Arg28Gln (NM_000172.4); short protein forms R28Q.
Identifiers: ClinVar variation 346046 (VCV000346046.29), dbSNP rs149936603, ClinGen allele CA2412433.